The following is an entry in ClinVar:

ClinVar aggregate classification (germline): Uncertain significance (1 of 4 stars; one submission).

Allele frequency attached by ClinVar (database versions not stated): TOPMed below 0.00001.

Submission:

Labcorp Genetics (formerly Invitae), Labcorp
Classification: Uncertain significance. Last evaluated: 2022-07-03. Review status: criteria provided, single submitter. Criteria: Invitae Variant Classification Sherloc (09022015). Collection method: clinical testing. Allele origin: germline.
Comment: In summary, the available evidence is currently insufficient to determine the role of this variant in disease. Therefore, it has been classified as a Variant of Uncertain Significance. Algorithms developed to predict the effect of missense changes on protein structure and function output the following: SIFT: "Tolerated"; PolyPhen-2: "Benign"; Align-GVGD: "Class C0". The valine amino acid residue is found in multiple mammalian species, which suggests that this missense change does not adversely affect protein function. This variant has not been reported in the literature in individuals affected with TTC37-related conditions. This variant is not present in population databases (gnomAD no frequency). This sequence change replaces isoleucine, which is neutral and non-polar, with valine, which is neutral and non-polar, at codon 1168 of the TTC37 protein (p.Ile1168Val).

NM_014639.4(SKIC3):c.3502A>G (p.Ile1168Val)

Gene: SKIC3 (SKI3 subunit of superkiller complex; minus strand). Cytogenetic location: 5q15.
Variant type: single nucleotide variant.
Coding change: c.3502A>G on transcript NM_014639.4 (MANE Select); coding-DNA position 3502, A replaced by G.
Protein change: p.Ile1168Val; replaces isoleucine 1168 with valine.
Molecular consequence: missense variant.
Genome position (GRCh38, 1-based): chr5:95,498,431, T>C on the plus strand (A>G on the coding strand, the complement: SKIC3 is on the minus strand). VCF-style: chr5-95498431-T-C. GRCh37 (hg19) VCF-style: chr5-94834135-T-C.
Other names: short protein forms I1168V.
Identifiers: ClinVar variation 1952953 (VCV001952953.5), dbSNP rs937957046, ClinGen allele CA122833496.
Genomic context (GRCh38, chr5:95,498,431, plus strand): 5'-TGTGAACAGCTTTAGATATTTGTTTTTGCACAGCCACACTGCGGCCTTGGAGTGCATAAA[T>C]CGCTGATGTAAGAAGGCACCTCTGATAATTACTGTCTTTGTGTTTGATGTGCTTCAGTAA-3'
Protein context (NP_055454.1, residues 1158-1178): NYQRCLLTSA[Ile1168Val]YALQGRSVAV